The following is an entry in ClinVar:

ClinVar aggregate classification (germline): Uncertain significance (1 of 4 stars; one submission).

Conditions:
Hereditary cancer-predisposing syndrome. Also called: Neoplastic Syndromes, Hereditary; Tumor predisposition; Hereditary Cancer Syndrome; Hereditary neoplastic syndrome. Identifiers: Orphanet 140162, MedGen C0027672, MeSH D009386, MONDO:0015356.

Submission:

Ambry Genetics
Classification: Uncertain significance for Hereditary cancer-predisposing syndrome. Last evaluated: 2025-12-18. Review status: criteria provided, single submitter. Criteria: Ambry Variant Classification Scheme 2023. Collection method: clinical testing. Allele origin: germline.
Comment: The c.2405+3A>C intronic variant results from an A to C substitution 3 nucleotides after coding exon 9 in the AXIN2 gene. This nucleotide position is well conserved in available vertebrate species. In silico splice site analysis predicts that this alteration will weaken the native splice donor site; however, direct evidence is insufficient at this time (Ambry internal data). Based on the available evidence, the clinical significance of this variant remains unclear.

NM_004655.4(AXIN2):c.2405+3A>C

Gene: AXIN2 (axin 2; minus strand). Cytogenetic location: 17q24.1.
Variant type: single nucleotide variant.
Coding change: c.2405+3A>C on transcript NM_004655.4 (MANE Select); 3 bases into the intron after coding-DNA position 2405, A replaced by C.
Molecular consequence: intron variant.
Genome position (GRCh38, 1-based): chr17:65,533,909, T>G on the plus strand (A>C on the coding strand, the complement: AXIN2 is on the minus strand). VCF-style: chr17-65533909-T-G. GRCh37 (hg19) VCF-style: chr17-63530027-T-G.
Other names: c.2210+3A>C (NM_001363813.1).
Identifiers: ClinVar variation 4843051 (VCV004843051.1).
Genomic context (GRCh38, chr17:65,533,909, plus strand): 5'-AGGCTCTGGCTCTTGGTTCTGAGCAAACAAACTGAGAGCAGAAAAAAGCCACAGGACTCT[T>G]ACCTATAATTTCCCTTTTTGCTGAGCTGCTCTTTAAAGTGGCCCAGGGTCAAGCTCTGAG-3'